The following is an entry in ClinVar:

NM_000540.3(RYR1):c.2422G>T (p.Ala808Ser)

Gene: RYR1 (ryanodine receptor 1; plus strand). Cytogenetic location: 19q13.2.
Variant type: single nucleotide variant.
Coding change: c.2422G>T on transcript NM_000540.3 (MANE Select); coding-DNA position 2422, G replaced by T.
Protein change: p.Ala808Ser; replaces alanine 808 with serine.
Molecular consequence: missense variant.
Genome position (GRCh38, 1-based): chr19:38,460,436, G>T. VCF-style: chr19-38460436-G-T. GRCh37 (hg19) VCF-style: chr19-38951076-G-T.
Other names: c.2422G>T, p.Ala808Ser (NM_001042723.2); short protein forms A808S.
Identifiers: ClinVar variation 4757298 (VCV004757298.1).

ClinVar aggregate classification (germline): Uncertain significance (1 of 4 stars; one submission).

Conditions:
Malignant hyperthermia, susceptibility to, 1 (MHS1). Also called: RYR1-Related Malignant Hyperthermia Susceptibility; Malignant hyperthermia suceptibility 1; Anesthesia related hyperthermia; Malignant hyperpyrexia; Fulminating hyperpyrexia; Pharmacogenic myopathy. Identifiers: Orphanet 423, MedGen C2930980, MONDO:0007783, OMIM 145600.

Submission:

Color Diagnostics, LLC DBA Color Health
Classification: Uncertain significance for Malignant hyperthermia, susceptibility to, 1. Last evaluated: 2025-06-17. Review status: criteria provided, single submitter. Criteria: ACMG Guidelines, 2015. Collection method: clinical testing. Allele origin: germline.
Comment: This missense variant replaces alanine with serine at codon 808 of the RYR1 protein. Computational prediction is inconclusive regarding the impact of this variant on protein structure and function. To our knowledge, functional studies have not been reported for this variant. This variant has not been reported in individuals affected with RYR1-related disorders in the literature. This variant has not been identified in the general population by the Genome Aggregation Database (gnomAD). The available evidence is insufficient to determine the role of this variant in disease conclusively. Therefore, this variant is classified as a Variant of Uncertain Significance.